The following is an entry in ClinVar:

ClinVar aggregate classification (germline): Pathogenic. Review status: criteria provided, multiple submitters, no conflicts (2 of 4 stars). 5 submissions from 5 submitters: Pathogenic (4). 1 of the submissions does not count toward it. Last evaluated 2025-09-11.

Conditions:
AP1S1-related disorder. Also called: AP1S1-related condition.
MEDNIK syndrome (MEDNIK). Also called: ERYTHROKERATODERMIA VARIABILIS, KAMOURASKA TYPE. Identifiers: Orphanet 171851, MedGen C1836330, MONDO:0012251, OMIM 609313.

Allele frequency attached by ClinVar (database versions not stated): ExAC below 0.00001; gnomAD 0.00001; gnomAD exomes 0.00001 and 0.00002; TOPMed 0.00001.
gnomAD v4.1: 14 of 1,564,740 alleles (0.00089%); highest among the groups gnomAD compares: Non-Finnish European, 0.0012%; no homozygotes.

Submissions (5):

GeneDx
Classification: Pathogenic. Last evaluated: 2025-09-11. Review status: criteria provided, single submitter. Criteria: GeneDx Variant Classification Process June 2021. Collection method: clinical testing. Allele origin: germline. Affected: yes.
Comment: Canonical splice site variant predicted to result in a null allele in a gene for which loss of function is a known mechanism of disease; This variant is associated with the following publications: (PMID: 19057675)

PreventionGenetics, part of Exact Sciences
Classification: Pathogenic for AP1S1-related condition. Last evaluated: 2025-08-14. Review status: criteria provided, single submitter. Criteria: ACMG Guidelines, 2015. Collection method: clinical testing. Allele origin: germline.
Comment: The AP1S1 c.183-2A>G variant is predicted to disrupt the AG splice acceptor site and interfere with normal splicing. This variant has been reported in the homozygous state in several individuals with MEDNIK syndrome (Reported as IVS2-2A>G in Montpetit et al. 2008. PubMed ID: 19057675; Martinelli et al. 2013. PubMed ID: 23423674). This variant is reported in 0.0044% of alleles in individuals of European (Non-Finnish) descent in gnomAD. This variant is interpreted as pathogenic.

Labcorp Genetics (formerly Invitae), Labcorp
Classification: Pathogenic. Last evaluated: 2023-12-19. Review status: criteria provided, single submitter. Criteria: Invitae Variant Classification Sherloc (09022015). Collection method: clinical testing. Allele origin: germline.
Comment: This sequence change affects an acceptor splice site in intron 2 of the AP1S1 gene. It is expected to disrupt RNA splicing. Variants that disrupt the donor or acceptor splice site typically lead to a loss of protein function (PMID: 16199547), and loss-of-function variants in AP1S1 are known to be pathogenic (PMID: 19057675). The frequency data for this variant in the population databases is considered unreliable, as metrics indicate poor data quality at this position in the gnomAD database. Disruption of this splice site has been observed in individual(s) with MEDNIK syndrome (PMID: 19057675, 23423674). It has also been observed to segregate with disease in related individuals. This variant is also known as IVS2-2A>G. ClinVar contains an entry for this variant (Variation ID: 39854). Studies have shown that disruption of this splice site alters AP1S1 gene expression (PMID: 19057675). Algorithms developed to predict the effect of sequence changes on RNA splicing suggest that this variant may disrupt the consensus splice site. For these reasons, this variant has been classified as Pathogenic.

Women's Health and Genetics/Laboratory Corporation of America, LabCorp
Classification: Pathogenic for MEDNIK syndrome. Last evaluated: 2023-12-01. Review status: criteria provided, single submitter. Criteria: LabCorp Variant Classification Summary - May 2015. Collection method: clinical testing. Allele origin: germline.
Comment: Variant summary: AP1S1 c.183-2A>G is located in a canonical splice-site and is predicted to affect mRNA splicing resulting in a significantly altered protein due to either exon skipping, shortening, or inclusion of intronic material. Several computational tools predict a significant impact on normal splicing: Four predict the variant abolishes the 3' canonical splicing acceptor site. These predictions were confirmed by experimental studies and the variant was found to result in alternative splicing (e.g., Montpetit_2008). The variant was found at a frequency of 2.2e-05 in 180840 control chromosomes (gnomAD). The available data on variant occurrences in the general population are insufficient to allow any conclusion about variant significance. c.183-2A>G has been reported in the literature in several homozygous individuals affected with MEDNIK syndrome (e.g., Montpetit_2008). This report suggests the variant is very likely to be associated with disease. At least one study has reported experimental evidence demonstrating an impact on protein function, and found that the variant was unable to rescue the mutant phenotype in a zebrafish AP1S1 knockdown model (e.g., Montpetit_2008). The following publication was ascertained in the context of this evaluation (PMID: 19057675). No ClinVar submitters have reported clinical-significance assessments for this variant to ClinVar after 2014. Based on the evidence outlined above, the variant was classified as pathogenic.

OMIM
Classification: Pathogenic for MEDNIK SYNDROME. Last evaluated: 2008-12-01. Review status: no assertion criteria provided. Collection method: literature only. Allele origin: germline. Not counted in ClinVar's aggregate classification.

Literature cited by the submitters: PubMed 16199547 (cited by Labcorp Genetics (formerly Invitae), Labcorp); PubMed 19057675 (cited by 3 submitters); PubMed 23423674 (cited by Labcorp Genetics (formerly Invitae), Labcorp and OMIM).

NM_001283.5(AP1S1):c.183-2A>G

Genes: AP1S1 (adaptor related protein complex 1 subunit sigma 1; plus strand), LOC126860125 (BRD4-independent group 4 enhancer GRCh37_chr7:100799642-100800841; plus strand). Cytogenetic location: 7q22.1.
Variant type: single nucleotide variant.
Coding change: c.183-2A>G on transcript NM_001283.5 (MANE Select); the canonical splice acceptor site of the intron before coding-DNA position 183, A replaced by G.
Molecular consequence: splice acceptor variant.
Genome position (GRCh38, 1-based): chr7:101,157,375, A>G. VCF-style: chr7-101157375-A-G. GRCh37 (hg19) VCF-style: chr7-100800656-A-G.
Other names: IVS2AS, A-G, -2.
Identifiers: ClinVar variation 39854 (VCV000039854.10), dbSNP rs751430853, ClinGen allele CA4405950.